The following is an entry in ClinVar:

NM_004698.4(PRPF3):c.498T>A (p.Pro166=)

Gene: PRPF3 (pre-mRNA processing factor 3; plus strand). Cytogenetic location: 1q21.2.
Variant type: single nucleotide variant.
Coding change: c.498T>A on transcript NM_004698.4 (MANE Select); coding-DNA position 498, T replaced by A.
Protein change: p.Pro166=; no amino-acid change (proline 166 retained).
Molecular consequence: synonymous variant. On other transcripts: non-coding transcript variant (4).
Genome position (GRCh38, 1-based): chr1:150,332,758, T>A. VCF-style: chr1-150332758-T-A. GRCh37 (hg19) VCF-style: chr1-150305229-T-A.
Other names: c.93T>A, p.Pro31= (NM_001350529.1).
Identifiers: ClinVar variation 722572 (VCV000722572.13), dbSNP rs145528866, ClinGen allele CA1075443.

ClinVar aggregate classification (germline): Benign/Likely benign. Review status: criteria provided, multiple submitters, no conflicts (2 of 4 stars). 3 submissions from 3 submitters: Benign (1); Likely benign (2). Last evaluated 2026-01-09.

Conditions:
PRPF3-related disorder. Also called: PRPF3-related condition.

Allele frequency attached by ClinVar (database versions not stated): gnomAD exomes 0.00013; ExAC 0.00021; 1000 Genomes Project 0.00040; ESP Exome Variant Server 0.00046; 1000 Genomes Project 30x 0.00047; TOPMed 0.00054; gnomAD 0.00067.
gnomAD v4.1: 147 of 1,614,030 alleles (0.0091%); highest among the groups gnomAD compares: African/African-American, 0.17%; 1 homozygote.

Submissions (3):

Labcorp Genetics (formerly Invitae), Labcorp
Classification: Benign. Last evaluated: 2026-01-09. Review status: criteria provided, single submitter. Criteria: Invitae Variant Classification Sherloc (09022015). Collection method: clinical testing. Allele origin: germline.

PreventionGenetics, part of Exact Sciences
Classification: Likely benign for PRPF3-related condition. Last evaluated: 2024-11-09. Review status: criteria provided, single submitter. Criteria: ACMG Guidelines, 2015. Collection method: clinical testing. Allele origin: germline.
Comment: This variant is classified as likely benign based on ACMG/AMP sequence variant interpretation guidelines (Richards et al. 2015 PMID: 25741868, with internal and published modifications).

Blueprint Genetics
Classification: Likely benign. Last evaluated: 2024-06-27. Review status: criteria provided, single submitter. Criteria: ACMG Guidelines, 2015. Collection method: clinical testing. Allele origin: germline.